The following is an entry in ClinVar:

NM_016604.4(KDM3B):c.3256C>T (p.Gln1086Ter)

Gene: KDM3B (lysine demethylase 3B; plus strand). Cytogenetic location: 5q31.2.
Variant type: single nucleotide variant.
Coding change: c.3256C>T on transcript NM_016604.4 (MANE Select); coding-DNA position 3256, C replaced by T.
Protein change: p.Gln1086Ter; replaces glutamine 1086 with a stop codon.
Molecular consequence: nonsense.
Genome position (GRCh38, 1-based): chr5:138,415,188, C>T. VCF-style: chr5-138415188-C-T. GRCh37 (hg19) VCF-style: chr5-137750877-C-T.
Other names: short protein forms Q1086*.
Identifiers: ClinVar variation 4281327 (VCV004281327.7).

ClinVar aggregate classification (germline): Pathogenic (1 of 4 stars; one submission).

Submission:

CeGaT Center for Human Genetics Tuebingen
Classification: Pathogenic. Last evaluated: 2025-08-01. Review status: criteria provided, single submitter. Criteria: CeGaT Center For Human Genetics Tuebingen Variant Classification Criteria Version 2. Collection method: clinical testing. Allele origin: germline. Affected: yes. Observed: 1 variant allele.
Comment: KDM3B: PVS1, PM2